The following is an entry in ClinVar:

NM_014946.4(SPAST):c.1493+2_1493+5del

Gene: SPAST (spastin; plus strand). Cytogenetic location: 2p22.3.
Variant type: Deletion.
Coding change: c.1493+2_1493+5del on transcript NM_014946.4 (MANE Select); the canonical splice donor site of the intron after coding-DNA position 1493 through 5 bases into the intron after coding-DNA position 1493, 4 bases deleted (TAGG; older notation c.1493+2_1493+5delTAGG).
Molecular consequence: splice donor variant.
Genome position (GRCh38, 1-based): chr2:32,137,190-32,137,193, TAGG deleted; deleting any 4 consecutive bases within chr2:32,137,187-32,137,193 gives the same sequence; the c. name uses the placement nearest the transcript's 3' end. VCF-style (leftmost placement, unchanged base first): chr2-32137186-CAGGT-C. GRCh37 (hg19) VCF-style: chr2-32362255-CAGGT-C.
Other names: c.1493+2_1493+5delTAGG (NM_014946.3); c.1397+2_1397+5del (NM_199436.2, NM_001377959.1); c.1490+2_1490+5del (NM_001363823.2); c.1394+2_1394+5del (NM_001363875.2).
Identifiers: ClinVar variation 568108 (VCV000568108.17), dbSNP rs1558337180, ClinGen allele CA891843424.

ClinVar aggregate classification (germline): Pathogenic/Likely pathogenic. Review status: criteria provided, multiple submitters, no conflicts (2 of 4 stars). 7 submissions from 7 submitters: Pathogenic (6); Likely pathogenic (1). Last evaluated 2026-03-05.

Conditions:
Hereditary spastic paraplegia. Also called: Familial spastic paraparesis. Identifiers: Orphanet 685, MedGen C0037773, MONDO:0019064. Disease mechanism: loss of function.
Hereditary spastic paraplegia 4. Also called: Spastic Paraplegia 4; Spastic paraplegia 4, autosomal dominant; Familial spastic paraplegia autosomal dominant 2. Identifiers: Orphanet 100985, MedGen C1866855, MONDO:0008438, OMIM 182601.

Submissions (7):

Mendelics
Classification: Pathogenic for Hereditary spastic paraplegia 4. Last evaluated: 2026-03-05. Review status: criteria provided, single submitter. Criteria: ACMG Guidelines, 2015. Collection method: clinical testing. Allele origin: unknown.
Comment: Likely pathogenic/Pathogenic according to ACMG criteria.

Labcorp Genetics (formerly Invitae), Labcorp
Classification: Pathogenic for Hereditary spastic paraplegia 4. Last evaluated: 2025-10-09. Review status: criteria provided, single submitter. Criteria: Invitae Variant Classification Sherloc (09022015). Collection method: clinical testing. Allele origin: germline.
Comment: This sequence change affects a splice site in intron 12 of the SPAST gene. It is expected to disrupt RNA splicing. Variants that disrupt the donor or acceptor splice site typically lead to a loss of protein function (PMID: 16199547), and loss-of-function variants in SPAST are known to be pathogenic (PMID: 20932283). This variant is not present in population databases (gnomAD no frequency). Disruption of this splice site has been observed in individuals with hereditary spastic paraplegia (PMID: 11039577, 27957547, 28572275; internal data). Invitae Evidence Modeling of clinical and family history, age, sex, and reported ancestry of multiple individuals with this SPAST variant has been performed. This variant is expected to be pathogenic with a positive predictive value of at least 99%. This is a validated machine learning model that incorporates the clinical features of 4,195 individuals referred to our laboratory for SPAST testing. This variant is also known as 1617-1618+2del or IVS12+2delTAGG. ClinVar contains an entry for this variant (Variation ID: 568108). Algorithms developed to predict the effect of variants on gene product structure and function are not available or were not evaluated for this variant. Experimental studies have shown that disruption of this splice site affects SPAST function (PMID: 11039577). Algorithms developed to predict the effect of sequence changes on RNA splicing suggest that this variant may disrupt the consensus splice site. For these reasons, this variant has been classified as Pathogenic.

GeneDx
Classification: Pathogenic. Last evaluated: 2025-06-27. Review status: criteria provided, single submitter. Criteria: GeneDx Variant Classification Process June 2021. Collection method: clinical testing. Allele origin: germline. Affected: yes.
Comment: Published functional studies demonstrate that the variant causes a deleted splicing donor site, resulting in two kinds of exon skipping, both out of frame; Of note, the variant is described using alternate nomenclature as SPG4 c.1617_1618+2del (PMID: 11039577); Canonical splice site variant predicted to result in a null allele in a gene for which loss of function is a known mechanism of disease; Not observed at significant frequency in large population cohorts (gnomAD); This variant is associated with the following publications: (PMID: 11039577, 27957547, 28572275, 31407473, 38127101)

3billion
Classification: Pathogenic for Hereditary spastic paraplegia 4. Last evaluated: 2024-08-15. Review status: criteria provided, single submitter. Criteria: ACMG Guidelines, 2015. Collection method: clinical testing. Allele origin: germline. Affected: yes.
Comment: The variant is observed at an extremely low frequency in the gnomAD v4.0.0 dataset (total allele frequency: <0.001%). Predicted Consequence/Location: Canonical splice site: predicted to alter splicing and result in a loss or disruption of normal protein function. Multiple pathogenic loss-of-function variants are reported downstream of the variant. In silico tools predict the variant to alter splicing and produce an abnormal transcript [SpliceAI: 1.00 (spliceogenicity >=0.2, non-spliceogenicity <0.1)]. The variant has been reported at least twice as pathogenic with clinical assertions and evidence for the classification (ClinVar ID: VCV000568108 /PMID: 11039577). Therefore, this variant is classified as Pathogenic according to the recommendation of ACMG/AMP guideline.

Dasa
Classification: Pathogenic for Hereditary spastic paraplegia 4. Last evaluated: 2022-02-05. Review status: criteria provided, single submitter. Criteria: ACMG Guidelines, 2015. Collection method: clinical testing. Allele origin: germline. Affected: yes. Observed: 1 variant allele.
Comment: The c.1493+2_1493+5del variant is located in a canonical splice-site, and it is predicted to alter gene function due to either exon skipping or nonsense-mediate decay – NMD, and the variant is present in a relevant exon to the transcript - PVS1. This sequence change has been observed in affected individual(s) and ClinVar contains an entry for this variant (ClinVar ID: 568108; PMID:11039577, 28572275, 27957547; 20562464) - PS4. This variant is not present in population databases (rs1558337180; gnomAD; ABraOM no frequency) - PM2. In summary, the currently available evidence indicates that the variant is pathogenic.

Institute of Human Genetics Munich, TUM University Hospital
Classification: Pathogenic for Hereditary spastic paraplegia 4. Last evaluated: 2017-09-20. Review status: criteria provided, single submitter. Criteria: Classification criteria August 2017. Collection method: clinical testing. Allele origin: germline. Inheritance: Autosomal dominant inheritance. Affected: yes. Observed: 1 heterozygote.

Genome Diagnostics Laboratory, The Hospital for Sick Children
Classification: Likely pathogenic for Hereditary spastic paraplegia. Last evaluated: 2017-06-28. Review status: criteria provided, single submitter. Criteria: ACMG Guidelines, 2015. Collection method: clinical testing. Allele origin: germline. Affected: yes.

Literature cited by the submitters: PubMed 16199547 (cited by Labcorp Genetics (formerly Invitae), Labcorp); PubMed 20932283 (cited by Labcorp Genetics (formerly Invitae), Labcorp); PubMed 11039577 (cited by 3 submitters); PubMed 27957547 (cited by Labcorp Genetics (formerly Invitae), Labcorp and Dasa); PubMed 28572275 (cited by Labcorp Genetics (formerly Invitae), Labcorp and Dasa); PubMed 20562464 (cited by Dasa).